The following is an entry in ClinVar:

NM_001458.5(FLNC):c.2390-3C>T

Gene: FLNC (filamin C; plus strand). Cytogenetic location: 7q32.1.
Variant type: single nucleotide variant.
Coding change: c.2390-3C>T on transcript NM_001458.5 (MANE Select); 3 bases into the intron before coding-DNA position 2390, C replaced by T.
Molecular consequence: intron variant.
Genome position (GRCh38, 1-based): chr7:128,842,791, C>T. VCF-style: chr7-128842791-C-T. GRCh37 (hg19) VCF-style: chr7-128482845-C-T.
Other names: c.2390-3C>T (NM_001127487.2).
Identifiers: ClinVar variation 3747975 (VCV003747975.2).

ClinVar aggregate classification (germline): Uncertain significance (1 of 4 stars; one submission).

Conditions:
Hypertrophic cardiomyopathy 26. Also called: Cardiomyopathy, familial hypertrophic, 26. Identifiers: Orphanet 75249, MedGen C4310749, MONDO:0014883, OMIM 617047.
Myofibrillar myopathy 5. Also called: Filaminopathy (type); FILAMINOPATHY, AUTOSOMAL DOMINANT. Identifiers: Orphanet 171445, MedGen C1836050, MONDO:0012289, OMIM 609524.
Distal myopathy with posterior leg and anterior hand involvement. Also called: WILLIAMS DISTAL MYOPATHY. Identifiers: Orphanet 63273, MedGen C3279722, MONDO:0013550, OMIM 614065.

Submission:

Labcorp Genetics (formerly Invitae), Labcorp
Classification: Uncertain significance for Distal myopathy with posterior leg and anterior hand involvement; Myofibrillar myopathy 5; Hypertrophic cardiomyopathy 26. Last evaluated: 2024-05-02. Review status: criteria provided, single submitter. Criteria: Invitae Variant Classification Sherloc (09022015). Collection method: clinical testing. Allele origin: germline.
Comment: This sequence change falls in intron 15 of the FLNC gene. It does not directly change the encoded amino acid sequence of the FLNC protein. It affects a nucleotide within the consensus splice site. This variant is not present in population databases (gnomAD no frequency). This variant has not been reported in the literature in individuals affected with FLNC-related conditions. Variants that disrupt the consensus splice site are a relatively common cause of aberrant splicing (PMID: 17576681, 9536098). Algorithms developed to predict the effect of sequence changes on RNA splicing suggest that this variant is not likely to affect RNA splicing. In summary, the available evidence is currently insufficient to determine the role of this variant in disease. Therefore, it has been classified as a Variant of Uncertain Significance.

Literature cited by the submitters: PubMed 17576681; PubMed 9536098.